The following is an entry in ClinVar:

NM_000180.4(GUCY2D):c.1567-15A>T

Gene: GUCY2D (guanylate cyclase 2D, retinal; plus strand). Cytogenetic location: 17p13.1.
Variant type: single nucleotide variant.
Coding change: c.1567-15A>T on transcript NM_000180.4 (MANE Select); 15 bases into the intron before coding-DNA position 1567, A replaced by T.
Molecular consequence: intron variant.
Genome position (GRCh38, 1-based): chr17:8,007,916, A>T. VCF-style: chr17-8007916-A-T. GRCh37 (hg19) VCF-style: chr17-7911234-A-T.
Identifiers: ClinVar variation 931936 (VCV000931936.3), dbSNP rs1975776690, ClinGen allele CA1139664113.

ClinVar aggregate classification (germline): Uncertain significance (1 of 4 stars; one submission).

Conditions:
Choroidal dystrophy, central areolar, 1. Identifiers: Orphanet 75377, MedGen C4551884, MONDO:0024539, OMIM 215500.

Submission:

Centre for Mendelian Genomics, University Medical Centre Ljubljana
Classification: Uncertain significance for Choroidal dystrophy, central areolar, 1. Last evaluated: 2018-11-10. Review status: criteria provided, single submitter. Criteria: ACMG Guidelines, 2015. Collection method: clinical testing. Allele origin: unknown. Affected: yes.
Comment: This variant was classified as: Uncertain significance. The available evidence on this variant's pathogenicity is insufficient or conflicting. The following ACMG criteria were applied in classifying this variant: PM2,PP4.